The following is an entry in ClinVar:

ClinVar aggregate classification (germline): Conflicting classifications of pathogenicity. Review status: criteria provided, conflicting classifications (1 of 4 stars). 6 submissions from 6 submitters: Uncertain significance (5); Likely benign (1). Last evaluated 2026-04-21.

Conditions:
AXIN2-related disorder.
Colorectal cancer. Also called: Malignant Colorectal Neoplasm; Colorectal cancer, somatic. Identifiers: MedGen C0346629, MONDO:0005575, OMIM 114500.
Hereditary cancer-predisposing syndrome. Also called: Tumor predisposition; Hereditary neoplastic syndrome; Neoplastic Syndromes, Hereditary; Hereditary Cancer Syndrome. Identifiers: Orphanet 140162, MedGen C0027672, MeSH D009386, MONDO:0015356.
Oligodontia-cancer predisposition syndrome. Also called: TOOTH AGENESIS-COLORECTAL CANCER SYNDROME. Identifiers: Orphanet 300576, MedGen C1837750, MONDO:0012075, OMIM 608615. Disease mechanism: loss of function.

Allele frequency attached by ClinVar (database versions not stated): gnomAD exomes below 0.00001 and 0.00001; TOPMed below 0.00001; ExAC 0.00003.
gnomAD v4.1: 4 of 1,605,904 alleles (0.00025%); highest among the groups gnomAD compares: East Asian, 0.009%; no homozygotes.

Submissions (6):

PreventionGenetics, part of Exact Sciences
Classification: Uncertain significance for AXIN2-related condition. Last evaluated: 2026-04-21. Review status: criteria provided, single submitter. Criteria: ACMG Guidelines, 2015. Collection method: clinical testing. Allele origin: germline.
Comment: The AXIN2 c.863G>C variant is predicted to result in the amino acid substitution p.Gly288Ala. To our knowledge, this variant has not been reported in the literature. This variant is reported in 0.017% of alleles in individuals of East Asian descent in gnomAD and is classified as uncertain in ClinVar (Variation ID: 464644). At this time, the clinical significance of this variant is uncertain due to the absence of conclusive functional and genetic evidence.

Ambry Genetics
Classification: Likely benign for Hereditary cancer-predisposing syndrome. Last evaluated: 2026-03-25. Review status: criteria provided, single submitter. Criteria: Ambry Variant Classification Scheme 2023. Collection method: clinical testing. Allele origin: germline.

Labcorp Genetics (formerly Invitae), Labcorp
Classification: Uncertain significance for Oligodontia-cancer predisposition syndrome. Last evaluated: 2025-10-13. Review status: criteria provided, single submitter. Criteria: Invitae Variant Classification Sherloc (09022015). Collection method: clinical testing. Allele origin: germline.
Comment: This sequence change replaces glycine, which is neutral and non-polar, with alanine, which is neutral and non-polar, at codon 288 of the AXIN2 protein (p.Gly288Ala). This variant is present in population databases (rs754388559, gnomAD 0.02%). This variant has not been reported in the literature in individuals affected with AXIN2-related conditions. ClinVar contains an entry for this variant (Variation ID: 464644). Invitae Evidence Modeling of protein sequence and biophysical properties (such as structural, functional, and spatial information, amino acid conservation, physicochemical variation, residue mobility, and thermodynamic stability) indicates that this missense variant is not expected to disrupt AXIN2 protein function with a negative predictive value of 80%. In summary, the available evidence is currently insufficient to determine the role of this variant in disease. Therefore, it has been classified as a Variant of Uncertain Significance.

Molecular Pathology, Peter Maccallum Cancer Centre
Classification: Uncertain significance for Oligodontia-cancer predisposition syndrome. Last evaluated: 2024-06-27. Review status: criteria provided, single submitter. Criteria: ACMG Guidelines, 2015. Collection method: clinical testing. Allele origin: germline. Inheritance: Autosomal dominant inheritance.

Baylor Genetics
Classification: Uncertain significance for Colorectal cancer. Last evaluated: 2023-10-15. Review status: criteria provided, single submitter. Criteria: ACMG Guidelines, 2015. Collection method: clinical testing. Allele origin: unknown.

GeneDx
Classification: Uncertain significance. Last evaluated: 2022-05-27. Review status: criteria provided, single submitter. Criteria: GeneDx Variant Classification Process June 2021. Collection method: clinical testing. Allele origin: germline. Affected: yes.
Comment: Not observed at significant frequency in large population cohorts (gnomAD); In silico analysis supports that this missense variant has a deleterious effect on protein structure/function; Has not been previously published as pathogenic or benign to our knowledge

NM_004655.4(AXIN2):c.863G>C (p.Gly288Ala)

Gene: AXIN2 (axin 2; minus strand). Cytogenetic location: 17q24.1.
Variant type: single nucleotide variant.
Coding change: c.863G>C on transcript NM_004655.4 (MANE Select); coding-DNA position 863, G replaced by C.
Protein change: p.Gly288Ala; replaces glycine 288 with alanine.
Molecular consequence: missense variant.
Genome position (GRCh38, 1-based): chr17:65,549,613, C>G on the plus strand (G>C on the coding strand, the complement: AXIN2 is on the minus strand). VCF-style: chr17-65549613-C-G. GRCh37 (hg19) VCF-style: chr17-63545731-C-G.
Other names: c.863G>C (LRG_296t1); c.863G>C, p.Gly288Ala (NM_001363813.1); short protein forms G288A.
Identifiers: ClinVar variation 464644 (VCV000464644.17), dbSNP rs754388559, ClinGen allele CA8718957.